The following is an entry in ClinVar:

NM_006379.5(SEMA3C):c.1596C>T (p.Cys532=)

Gene: SEMA3C (semaphorin 3C; minus strand). Cytogenetic location: 7q21.11.
Variant type: single nucleotide variant.
Coding change: c.1596C>T on transcript NM_006379.5 (MANE Select); coding-DNA position 1596, C replaced by T.
Protein change: p.Cys532=; no amino-acid change (cysteine 532 retained).
Molecular consequence: synonymous variant.
Genome position (GRCh38, 1-based): chr7:80,758,378, G>A on the plus strand (C>T on the coding strand, the complement: SEMA3C is on the minus strand). VCF-style: chr7-80758378-G-A. GRCh37 (hg19) VCF-style: chr7-80387694-G-A.
Other names: c.1650C>T, p.Cys550= (NM_001350120.2); c.1422C>T, p.Cys474= (NM_001350121.2).
Identifiers: ClinVar variation 3036429 (VCV003036429.2), dbSNP rs145332331, ClinGen allele CA4316054.

ClinVar aggregate classification (germline): Likely benign (0 of 4 stars; one submission).

Conditions:
SEMA3C-related disorder. Also called: SEMA3C-related condition.

Allele frequency attached by ClinVar (database versions not stated): TOPMed 0.00003; ExAC 0.00004; gnomAD 0.00005; gnomAD exomes 0.00006; ESP Exome Variant Server 0.00023.
gnomAD v4.1: 97 of 1,613,816 alleles (0.006%); highest among the groups gnomAD compares: Non-Finnish European, 0.007%; no homozygotes.

Submission:

PreventionGenetics, part of Exact Sciences
Classification: Likely benign for SEMA3C-related condition. Last evaluated: 2022-04-14. Review status: no assertion criteria provided. Collection method: clinical testing. Allele origin: germline.
Comment: This variant is classified as likely benign based on ACMG/AMP sequence variant interpretation guidelines (Richards et al. 2015 PMID: 25741868, with internal and published modifications).